The following is an entry in ClinVar:

NM_003754.3(EIF3F):c.699G>A (p.Thr233=)

Gene: EIF3F (eukaryotic translation initiation factor 3 subunit F; plus strand). Cytogenetic location: 11p15.4.
Variant type: single nucleotide variant.
Coding change: c.699G>A on transcript NM_003754.3 (MANE Select); coding-DNA position 699, G replaced by A.
Protein change: p.Thr233=; no amino-acid change (threonine 233 retained).
Molecular consequence: synonymous variant.
Genome position (GRCh38, 1-based): chr11:7,994,471, G>A. VCF-style: chr11-7994471-G-A. GRCh37 (hg19) VCF-style: chr11-8016018-G-A.
Identifiers: ClinVar variation 3905352 (VCV003905352.10).
Genomic context (GRCh38, chr11:7,994,471, plus strand): 5'-CTTCTCCTTCCGCAGCACTTTAATGGGAGTCCCTGGGAGGACCATGGGAGTGATGTTCAC[G>A]CCTCTGACAGTGAAATACGCGTACTACGACACTGAACGCATCGGAGGTGAGTAACCTTTC-3'
Protein context (NP_003745.1, residues 223-243): VPGRTMGVMF[Thr233=]PLTVKYAYYD

ClinVar aggregate classification (germline): Likely benign (1 of 4 stars; one submission).

gnomAD v4.1: 28 of 1,614,048 alleles (0.0017%); highest among the groups gnomAD compares: South Asian, 0.012%; no homozygotes.

Submission:

CeGaT Center for Human Genetics Tuebingen
Classification: Likely benign. Last evaluated: 2025-06-01. Review status: criteria provided, single submitter. Criteria: CeGaT Center For Human Genetics Tuebingen Variant Classification Criteria Version 2. Collection method: clinical testing. Allele origin: germline. Affected: yes. Observed: 1 variant allele.
Comment: EIF3F: BP4, BP7